The following is an entry in ClinVar:

NM_001388492.1(HTT):c.3241T>G (p.Leu1081Val)

Gene: HTT (huntingtin; plus strand). Cytogenetic location: 4p16.3.
Variant type: single nucleotide variant.
Coding change: c.3241T>G on transcript NM_001388492.1 (MANE Select); coding-DNA position 3241, T replaced by G.
Protein change: p.Leu1081Val; replaces leucine 1081 with valine.
Molecular consequence: missense variant.
Genome position (GRCh38, 1-based): chr4:3,146,894, T>G. VCF-style: chr4-3146894-T-G. GRCh37 (hg19) VCF-style: chr4-3148621-T-G.
Other names: c.3247T>G, p.Leu1083Val (NM_002111.8); short protein forms L1081V, L1083V.
Identifiers: ClinVar variation 1411420 (VCV001411420.6), dbSNP rs751565846, ClinGen allele CA2824088.

ClinVar aggregate classification (germline): Uncertain significance (1 of 4 stars; one submission).

gnomAD v4.1: 4 of 1,614,186 alleles (0.00025%); highest among the groups gnomAD compares: East Asian, 0.0089%; no homozygotes.

Submission:

Labcorp Genetics (formerly Invitae), Labcorp
Classification: Uncertain significance. Last evaluated: 2022-07-26. Review status: criteria provided, single submitter. Criteria: Invitae Variant Classification Sherloc (09022015). Collection method: clinical testing. Allele origin: germline.
Comment: In summary, the available evidence is currently insufficient to determine the role of this variant in disease. Therefore, it has been classified as a Variant of Uncertain Significance. Experimental studies and prediction algorithms are not available or were not evaluated, and the functional significance of this variant is currently unknown. ClinVar contains an entry for this variant (Variation ID: 1411420). This variant has not been reported in the literature in individuals affected with HTT-related conditions. This variant is present in population databases (rs751565846, gnomAD 0.01%). This sequence change replaces leucine, which is neutral and non-polar, with valine, which is neutral and non-polar, at codon 1083 of the HTT protein (p.Leu1083Val).